The following is an entry in ClinVar:

NM_001395656.1(ROBO2):c.1956T>C (p.Thr652=)

Gene: ROBO2 (roundabout guidance receptor 2; plus strand). Cytogenetic location: 3p12.3.
Variant type: single nucleotide variant.
Coding change: c.1956T>C on transcript NM_001395656.1 (MANE Select); coding-DNA position 1956, T replaced by C.
Protein change: p.Thr652=; no amino-acid change (threonine 652 retained).
Molecular consequence: synonymous variant.
Genome position (GRCh38, 1-based): chr3:77,568,407, T>C. VCF-style: chr3-77568407-T-C. GRCh37 (hg19) VCF-style: chr3-77617558-T-C.
Other names: c.1992T>C, p.Thr664= (NM_001128929.3); c.1956T>C, p.Thr652= (NM_001290039.2, NM_001290040.2, NM_001378202.1); c.165T>C, p.Thr55= (NM_001290065.2); c.2004T>C, p.Thr668= (NM_001378190.1, NM_001378191.1, NM_001378195.1 and 4 more transcripts); c.2025T>C, p.Thr675= (NM_001378192.1, NM_001378194.1, NM_001378198.1 and 2 more transcripts); c.1944T>C, p.Thr648= (NM_001378193.1, NM_001378197.1, NM_002942.5); c.2013T>C, p.Thr671= (NM_001394212.1, NM_001394214.1, NM_001395657.1).
Identifiers: ClinVar variation 346693 (VCV000346693.17), dbSNP rs61731263, ClinGen allele CA2497200.

ClinVar aggregate classification (germline): Benign/Likely benign. Review status: criteria provided, multiple submitters, no conflicts (2 of 4 stars). 7 submissions from 7 submitters: Benign (3); Likely benign (2). 2 of the submissions do not count toward it. Last evaluated 2025-09-03.

Conditions:
Vesicoureteral reflux 2 (VUR2). Identifiers: Orphanet 289365, MedGen C1970483, MONDO:0012573, OMIM 610878.

Allele frequency attached by ClinVar (database versions not stated): ESP Exome Variant Server 0.00087; gnomAD 0.00179; TOPMed 0.00190; 1000 Genomes Project 0.00220; 1000 Genomes Project 30x 0.00234.
gnomAD v4.1: 779 of 1,612,932 alleles (0.048%); highest among the groups gnomAD compares: African/African-American, 0.63%; 1 homozygote.

Submissions (7):

Labcorp Genetics (formerly Invitae), Labcorp
Classification: Benign. Last evaluated: 2025-09-03. Review status: criteria provided, single submitter. Criteria: Invitae Variant Classification Sherloc (09022015). Collection method: clinical testing. Allele origin: germline.

Blueprint Genetics
Classification: Likely benign. Last evaluated: 2024-10-22. Review status: criteria provided, single submitter. Criteria: ACMG Guidelines, 2015. Collection method: clinical testing. Allele origin: germline.

Fulgent Genetics
Classification: Likely benign for Vesicoureteral reflux 2. Last evaluated: 2021-07-15. Review status: criteria provided, single submitter. Criteria: ACMG Guidelines, 2015. Collection method: clinical testing. Allele origin: unknown.

Illumina Laboratory Services, Illumina
Classification: Benign for Vesicoureteral reflux 2. Last evaluated: 2018-01-12. Review status: criteria provided, single submitter. Criteria: ICSL Variant Classification Criteria 13 December 2019. Collection method: clinical testing. Allele origin: germline.
Comment: This variant was observed in the ICSL laboratory as part of a predisposition screen in an ostensibly healthy population. It had not been previously curated by ICSL or reported in the Human Gene Mutation Database (HGMD: prior to June 1st, 2018), and was therefore a candidate for classification through an automated scoring system. Utilizing variant allele frequency, disease prevalence and penetrance estimates, and inheritance mode, an automated score was calculated to assess if this variant is too frequent to cause the disease. Based on the score and internal cut-off values, a variant classified as benign is not then subjected to further curation. The score for this variant resulted in a classification of benign for this disease.

Breakthrough Genomics
Classification: Benign. Review status: criteria provided, single submitter. Criteria: ACMG Guidelines, 2015. Collection method: not provided. Allele origin: germline. Inheritance: Autosomal dominant inheritance. Affected: yes.

Clinical Genetics DNA and cytogenetics Diagnostics Lab, Erasmus MC, Erasmus Medical Center
Classification: Likely benign. Review status: no assertion criteria provided. Collection method: clinical testing. Allele origin: germline. Affected: yes. Study: VKGL Data-share Consensus. Not counted in ClinVar's aggregate classification.

Genome Diagnostics Laboratory, University Medical Center Utrecht
Classification: Likely benign. Review status: no assertion criteria provided. Collection method: clinical testing. Allele origin: germline. Affected: yes. Study: VKGL Data-share Consensus. Not counted in ClinVar's aggregate classification.